The following is an entry in ClinVar:

ClinVar aggregate classification (germline): Pathogenic (1 of 4 stars; one submission).

Submission:

Labcorp Genetics (formerly Invitae), Labcorp
Classification: Pathogenic. Last evaluated: 2020-03-08. Review status: criteria provided, single submitter. Criteria: Invitae Variant Classification Sherloc (09022015). Collection method: clinical testing. Allele origin: germline.
Comment: For these reasons, this variant has been classified as Pathogenic. Loss-of-function variants in TCIRG1 are known to be pathogenic (PMID: 10888887, 10942435, 11532986, 19448635). This variant has not been reported in the literature in individuals with TCIRG1-related conditions. This variant is not present in population databases (ExAC no frequency). This sequence change creates a premature translational stop signal (p.Met450Ilefs*40) in the TCIRG1 gene. It is expected to result in an absent or disrupted protein product.

Literature cited by the submitters: PubMed 10888887; PubMed 10942435; PubMed 11532986; PubMed 19448635.

NM_006019.4(TCIRG1):c.1349dup (p.Met450fs)

Gene: TCIRG1 (T cell immune regulator 1, ATPase H+ transporting V0 subunit a3; plus strand). Cytogenetic location: 11q13.2.
Variant type: Duplication.
Coding change: c.1349dup on transcript NM_006019.4 (MANE Select); coding-DNA position 1349, one base duplicated (T; older notation c.1349dupT).
Protein change: p.Met450fs; shifts the reading frame from methionine 450.
Molecular consequence: frameshift variant.
Genome position (GRCh38, 1-based): chr11:68,047,690, T duplicated. VCF-style (leftmost placement, unchanged base first): chr11-68047689-A-AT. GRCh37 (hg19) VCF-style: chr11-67815156-A-AT.
Other names: c.455dup, p.Met152fs (NM_001351059.2); c.701dup, p.Met234fs (NM_006053.4); short protein forms M152fs, M234fs, M450fs.
Identifiers: ClinVar variation 1075445 (VCV001075445.7), dbSNP rs2134455159, ClinGen allele CA2499221248.